The following is an entry in ClinVar:

ClinVar aggregate classification (germline): Pathogenic (1 of 4 stars; one submission).

Conditions:
Fabry disease. Also called: ALPHA-GALACTOSIDASE A DEFICIENCY; ANDERSON-FABRY DISEASE; CERAMIDE TRIHEXOSIDASE DEFICIENCY; GLA DEFICIENCY; HEREDITARY DYSTOPIC LIPIDOSIS; Angiokeratoma corporis diffusum. Identifiers: Orphanet 324, MedGen C0002986, MONDO:0010526, OMIM 301500, HP:0001071. Disease mechanism: Fabry disease is due to inactivating mutations in the X-linked GLA gene resulting in deficiency of the enzyme Alpha Galactosidase-A., loss of function.

Submission:

Genomenon, Inc
Classification: Pathogenic for Fabry disease. Last evaluated: 2026-09-08. Review status: criteria provided, single submitter. Criteria: Genomenon Sequence Variant Interpretation Standards - Updated. Collection method: curation. Allele origin: germline. Affected: yes.
Comment: GLA p.Asp255MetfsTer14 (c.763del) is a frameshift variant that is predicted to introduce a premature termination codon and result in a truncated or absent protein product. This variant has been observed in at least one proband with clinical features consistent with Fabry disease (PMID:30468909). Functional or patient cell studies have been reported (PMID:30468909). It is absent or not present at a significant frequency in gnomAD. In conclusion, we classify GLA p.Asp255MetfsTer14 (c.763del) as a pathogenic variant.

Literature cited by the submitters: PubMed 30468909.

NM_000169.3(GLA):c.763del (p.Asp255fs)

Genes: GLA (galactosidase alpha; minus strand), RPL36A-HNRNPH2 (RPL36A-HNRNPH2 readthrough; plus strand). Cytogenetic location: Xq22.1.
Variant type: Deletion.
Coding change: c.763del on transcript NM_000169.3 (MANE Select); coding-DNA position 763, one base deleted (G; older notation c.763delG).
Protein change: p.Asp255fs; shifts the reading frame from aspartic acid 255.
Molecular consequence: frameshift variant. On other transcripts: non-coding transcript variant (3), intron variant (2).
Genome position (GRCh38, 1-based): chrX:101,398,823, C deleted on the plus strand (G on the coding strand, the reverse complement: GLA is on the minus strand). VCF-style (leftmost placement, unchanged base first): chrX-101398822-TC-T. GRCh37 (hg19) VCF-style: chrX-100653810-TC-T.
Other names: c.886del, p.Asp296fs (NM_001406747.1); c.763del, p.Asp255fs (NM_001406748.1); c.300+3366del (NM_001199973.2); c.177+7001del (NM_001199974.2); short protein forms D255fs, D296fs.
Identifiers: ClinVar variation 4087005 (VCV004087005.2).